The following is an entry in ClinVar:

NM_020774.4(MIB1):c.863T>C (p.Ile288Thr)

Gene: MIB1 (MIB E3 ubiquitin protein ligase 1; plus strand). Cytogenetic location: 18q11.2.
Variant type: single nucleotide variant.
Coding change: c.863T>C on transcript NM_020774.4 (MANE Select); coding-DNA position 863, T replaced by C.
Protein change: p.Ile288Thr; replaces isoleucine 288 with threonine.
Molecular consequence: missense variant.
Genome position (GRCh38, 1-based): chr18:21,779,640, T>C. VCF-style: chr18-21779640-T-C. GRCh37 (hg19) VCF-style: chr18-19359601-T-C.
Other names: short protein forms I288T.
Identifiers: ClinVar variation 3294704 (VCV003294704.1).
Genomic context (GRCh38, chr18:21,779,640, plus strand): 5'-ATGGAGGATGGACTGATGGAATGTTTGAGACTTTAACTACAACTGGAACTGTTTGTGGCA[T>C]TGATGAAGATCATGACATTGTAGTACAGTATCCAAGTGGCAATAGGTGGGTGATATCTCT-3'
Protein context (NP_065825.1, residues 278-298): TLTTTGTVCG[Ile288Thr]DEDHDIVVQY

ClinVar aggregate classification (germline): Uncertain significance (1 of 4 stars; one submission).

Conditions:
Inborn genetic diseases. Identifiers: MedGen C0950123, MeSH D030342.

gnomAD v4.1: 8 of 1,614,188 alleles (0.0005%); highest among the groups gnomAD compares: South Asian, 0.0011%; no homozygotes.

Submission:

Ambry Genetics
Classification: Uncertain significance for Inborn genetic diseases. Last evaluated: 2024-05-11. Review status: criteria provided, single submitter. Criteria: Ambry Variant Classification Scheme 2023. Collection method: clinical testing. Allele origin: germline.
Comment: The p.I288T variant (also known as c.863T>C), located in coding exon 6 of the MIB1 gene, results from a T to C substitution at nucleotide position 863. The isoleucine at codon 288 is replaced by threonine, an amino acid with similar properties. This amino acid position is conserved. In addition, this alteration is predicted to be deleterious by in silico analysis. Based on the available evidence, the clinical significance of this variant remains unclear.